The following is an entry in ClinVar:

ClinVar aggregate classification (germline): Uncertain significance (1 of 4 stars; one submission).

Conditions:
Hereditary breast ovarian cancer syndrome. Also called: Hereditary breast and ovarian cancer syndrome (HBOC); Hereditary breast and ovarian cancer; Breast and ovarian cancer; BRCA1- and BRCA2-Associated Hereditary Breast and Ovarian Cancer; Hereditary breast and ovarian cancer syndrome; Hereditary breast and/or ovarian cancer syndrome. Identifiers: Orphanet 145, MedGen C0677776, MeSH D061325, MONDO:0003582. Disease mechanism: loss of function.

Submission:

Labcorp Genetics (formerly Invitae), Labcorp
Classification: Uncertain significance for Hereditary breast ovarian cancer syndrome. Last evaluated: 2019-04-30. Review status: criteria provided, single submitter. Criteria: Invitae Variant Classification Sherloc (09022015). Collection method: clinical testing. Allele origin: germline.
Comment: In summary, the available evidence is currently insufficient to determine the role of this variant in disease. Therefore, it has been classified as a Variant of Uncertain Significance. Algorithms developed to predict the effect of missense changes on protein structure and function output the following: SIFT: "Tolerated"; PolyPhen-2: "Benign"; Align-GVGD: "Class C0". The phenylalanine amino acid residue is found in multiple mammalian species, suggesting that this missense change does not adversely affect protein function. These predictions have not been confirmed by published functional studies and their clinical significance is uncertain. This variant has not been reported in the literature in individuals with BRCA1-related conditions. This variant is not present in population databases (ExAC no frequency). This sequence change replaces tyrosine with phenylalanine at codon 101 of the BRCA1 protein (p.Tyr101Phe). The tyrosine residue is weakly conserved and there is a small physicochemical difference between tyrosine and phenylalanine.

NM_007294.4(BRCA1):c.302A>T (p.Tyr101Phe)

Gene: BRCA1 (BRCA1 DNA repair associated; minus strand). Cytogenetic location: 17q21.31.
Variant type: single nucleotide variant.
Coding change: c.302A>T on transcript NM_007294.4 (MANE Select); coding-DNA position 302, A replaced by T.
Protein change: p.Tyr101Phe; replaces tyrosine 101 with phenylalanine.
Molecular consequence: missense variant. On other transcripts: non-coding transcript variant (1).
Genome position (GRCh38, 1-based): chr17:43,104,261, T>A on the plus strand (A>T on the coding strand, the complement: BRCA1 is on the minus strand). VCF-style: chr17-43104261-T-A. GRCh37 (hg19) VCF-style: chr17-41256278-T-A.
Other names: c.92A>T, p.Tyr31Phe (NM_001407571.1, NM_001407853.1, NM_001407879.1 and 58 more transcripts); c.302A>T, p.Tyr101Phe (NM_001407581.1, NM_001407582.1, NM_001407583.1 and 165 more transcripts); c.293A>T, p.Asp98Val (NM_001407646.1, NM_001407647.1, NM_001408408.1); c.224A>T, p.Tyr75Phe (NM_001407653.1, NM_001407654.1, NM_001407655.1 and 21 more transcripts); c.161A>T, p.Tyr54Phe (NM_001407692.1, NM_001407694.1, NM_001407695.1 and 99 more transcripts); c.-80A>T (NM_001407959.1, NM_001407960.1, NM_001407962.1 and 4 more transcripts); c.170A>T, p.Tyr57Phe (NM_001408451.1); short protein forms Y101F, Y54F, Y57F, D98V, Y75F, Y31F.
Identifiers: ClinVar variation 945287 (VCV000945287.11), dbSNP rs587781798, ClinGen allele CA10601545.
Genomic context (GRCh38, chr17:43,104,261, plus strand): 5'-TCATCTTTTAGATGTTCAGGAGAGTTATTTTCCTTTTTTGCAAAATTATAGCTGTTTGCA[T>A]CTGTAAAATACAAGGGAAAACATTATGTTTGCAGTTAGAGAAAAATGTATGAATTATAAT-3'
Protein context (NP_009225.1, residues 91-111): CAFQLDTGLE[Tyr101Phe]ANSYNFAKKE